The following is an entry in ClinVar:

ClinVar aggregate classification (germline): Pathogenic. Review status: criteria provided, multiple submitters, no conflicts (2 of 4 stars). 3 submissions from 3 submitters: Pathogenic (2). 1 of the submissions does not count toward it. Last evaluated 2024-02-19.

Conditions:
Neurofibromatosis, type 1 (NF1). Also called: Peripheral type neurofibromatosis; Neurofibromatosis, type I; NEUROFIBROMATOSIS, TYPE I, SOMATIC; VON RECKLINGHAUSEN DISEASE. Identifiers: Orphanet 636, MedGen C0027831, MONDO:0018975, OMIM 162200. Disease mechanism: loss of function.

Submissions (3):

Labcorp Genetics (formerly Invitae), Labcorp
Classification: Pathogenic for Neurofibromatosis, type 1. Last evaluated: 2024-02-19. Review status: criteria provided, single submitter. Criteria: Invitae Variant Classification Sherloc (09022015). Collection method: clinical testing. Allele origin: germline.
Comment: This sequence change creates a premature translational stop signal (p.Cys509Leufs*2) in the NF1 gene. It is expected to result in an absent or disrupted protein product. Loss-of-function variants in NF1 are known to be pathogenic (PMID: 10712197, 23913538). This variant is not present in population databases (gnomAD no frequency). This premature translational stop signal has been observed in individual(s) with neurofibromatosis type 1 (PMID: 28961165). ClinVar contains an entry for this variant (Variation ID: 431588). For these reasons, this variant has been classified as Pathogenic.

Juno Genomics, Hangzhou Juno Genomics, Inc
Classification: Pathogenic for Neurofibromatosis, type 1. Review status: criteria provided, single submitter. Criteria: ACMG Guidelines, 2015. Collection method: clinical testing. Allele origin: germline.
Comment: Absent from controls (or at extremely low frequency if recessive) in Genome Aggregation Database.;Null variant in a gene where loss of function (LOF) is a known mechanism of disease.;The prevalence of the variant in affected individuals is significantly increased compared to the prevalence in controls.

Medical Genetics, University of Parma
Classification: Pathogenic for Neurofibromatosis type 1. Last evaluated: 2017-02-02. Review status: no assertion criteria provided. Collection method: clinical testing. Allele origin: germline. Affected: yes. Not counted in ClinVar's aggregate classification.

Literature cited by the submitters: PubMed 10712197 (cited by Labcorp Genetics (formerly Invitae), Labcorp); PubMed 23913538 (cited by Labcorp Genetics (formerly Invitae), Labcorp); PubMed 28961165 (cited by Labcorp Genetics (formerly Invitae), Labcorp).

NM_001042492.3(NF1):c.1525dup (p.Cys509fs)

Gene: NF1 (neurofibromin 1; plus strand). Cytogenetic location: 17q11.2.
Variant type: Duplication.
Coding change: c.1525dup on transcript NM_001042492.3 (MANE Select); coding-DNA position 1525, one base duplicated (T; older notation c.1525dupT).
Protein change: p.Cys509fs; shifts the reading frame from cysteine 509.
Molecular consequence: frameshift variant.
Genome position (GRCh38, 1-based): chr17:31,214,583, T duplicated; the last of 3 consecutive T bases (chr17:31,214,581-31,214,583); duplicating any one gives the same sequence. VCF-style (leftmost placement, unchanged base first): chr17-31214580-C-CT. GRCh37 (hg19) VCF-style: chr17-29541598-C-CT.
Other names: c.1525dup, p.Cys509Leufs (NM_000267.4); c.1525dup, p.Cys509fs (NM_001128147.3); short protein forms C509fs.
Identifiers: ClinVar variation 431588 (VCV000431588.6), dbSNP rs1135402813, ClinGen allele CA645373089.